The following is an entry in ClinVar:

NM_001377540.1(SLMAP):c.1816C>G (p.Gln606Glu)

Gene: SLMAP (sarcolemma associated protein; plus strand). Cytogenetic location: 3p14.3.
Variant type: single nucleotide variant.
Coding change: c.1816C>G on transcript NM_001377540.1 (MANE Select); coding-DNA position 1816, C replaced by G.
Protein change: p.Gln606Glu; replaces glutamine 606 with glutamic acid.
Molecular consequence: missense variant. On other transcripts: non-coding transcript variant (1).
Genome position (GRCh38, 1-based): chr3:57,912,497, C>G. VCF-style: chr3-57912497-C-G. GRCh37 (hg19) VCF-style: chr3-57898224-C-G.
Other names: c.1765C>G, p.Gln589Glu (NM_001304420.3, NM_001377541.1, NM_001377542.1); c.1651C>G, p.Gln551Glu (NM_001304421.2, NM_001377557.1, NM_001377559.1); c.367C>G, p.Gln123Glu (NM_001304422.3, NM_001311178.2); c.169C>G, p.Gln57Glu (NM_001304423.3); c.244C>G, p.Gln82Glu (NM_001311179.2, NM_001377926.1, NM_001377927.1 and 1 more transcripts); c.1837C>G, p.Gln613Glu (NM_001377538.1); c.1816C>G, p.Gln606Glu (NM_001377539.1); c.1753C>G, p.Gln585Glu (NM_001377545.1); and 8 more; short protein forms Q57E, Q585E, Q527E, Q548E, Q568E, Q589E, Q123E, Q510E.
Identifiers: ClinVar variation 4714479 (VCV004714479.1).

ClinVar aggregate classification (germline): Uncertain significance (1 of 4 stars; one submission).

Conditions:
Brugada syndrome. Also called: Sudden unexplained nocturnal death syndrome; Sudden unexpected nocturnal death syndrome; Sudden Unexplained Death Syndrome; Sudden Unexplained Nocturnal Death Syndrome (SUNDS). Identifiers: Orphanet 130, MedGen C1142166, MONDO:0015263.

Submission:

Labcorp Genetics (formerly Invitae), Labcorp
Classification: Uncertain significance for Brugada syndrome. Last evaluated: 2025-03-11. Review status: criteria provided, single submitter. Criteria: Invitae Variant Classification Sherloc (09022015). Collection method: clinical testing. Allele origin: germline.
Comment: This sequence change replaces glutamine, which is neutral and polar, with glutamic acid, which is acidic and polar, at codon 572 of the SLMAP protein (p.Gln572Glu). This variant is not present in population databases (gnomAD no frequency). This variant has not been reported in the literature in individuals affected with SLMAP-related conditions. An algorithm developed to predict the effect of missense changes on protein structure and function (PolyPhen-2) suggests that this variant is likely to be tolerated. In summary, the available evidence is currently insufficient to determine the role of this variant in disease. Therefore, it has been classified as a Variant of Uncertain Significance.